The following is an entry in ClinVar:

NM_000094.4(COL7A1):c.1453T>C (p.Tyr485His)

Gene: COL7A1 (collagen type VII alpha 1 chain; minus strand). Cytogenetic location: 3p21.31.
Variant type: single nucleotide variant.
Coding change: c.1453T>C on transcript NM_000094.4 (MANE Select); coding-DNA position 1453, T replaced by C.
Protein change: p.Tyr485His; replaces tyrosine 485 with histidine.
Molecular consequence: missense variant.
Genome position (GRCh38, 1-based): chr3:48,591,727, A>G on the plus strand (T>C on the coding strand, the complement: COL7A1 is on the minus strand). VCF-style: chr3-48591727-A-G. GRCh37 (hg19) VCF-style: chr3-48629160-A-G.
Other names: short protein forms Y485H.
Identifiers: ClinVar variation 2068804 (VCV002068804.2), dbSNP rs1051071382, ClinGen allele CA73991718.
Genomic context (GRCh38, chr3:48,591,727, plus strand): 5'-CCTCACCAGTGGGAACCACGGTTGCAGGGGTGGCCACCTCGTGGCCCTCCAGCAGAGTGT[A>G]GAGTGTGAGGCGGTACTCAGTGCCCGGCTGCAGCCCATCCAACTGGTAGCGGGTCACATC-3'
Protein context (NP_000085.1, residues 475-495): QPGTEYRLTL[Tyr485His]TLLEGHEVAT

ClinVar aggregate classification (germline): Uncertain significance (1 of 4 stars; one submission).

Allele frequency attached by ClinVar (database versions not stated): gnomAD exomes 0.00001; gnomAD 0.00004; TOPMed 0.00005.
gnomAD v4.1: 13 of 1,614,042 alleles (0.00081%); highest among the groups gnomAD compares: Non-Finnish European, 0.0011%; no homozygotes.

Submission:

Labcorp Genetics (formerly Invitae), Labcorp
Classification: Uncertain significance. Last evaluated: 2025-10-01. Review status: criteria provided, single submitter. Criteria: Invitae Variant Classification Sherloc (09022015). Collection method: clinical testing. Allele origin: germline.
Comment: This sequence change replaces tyrosine, which is neutral and polar, with histidine, which is basic and polar, at codon 485 of the COL7A1 protein (p.Tyr485His). This variant is present in population databases (no rsID available, gnomAD 0.005%). This variant has not been reported in the literature in individuals affected with COL7A1-related conditions. ClinVar contains an entry for this variant (Variation ID: 2068804). Invitae Evidence Modeling of protein sequence and biophysical properties (such as structural, functional, and spatial information, amino acid conservation, physicochemical variation, residue mobility, and thermodynamic stability) has been performed for this missense variant. However, the output from this modeling did not meet the statistical confidence thresholds required to predict the impact of this variant on COL7A1 protein function. In summary, the available evidence is currently insufficient to determine the role of this variant in disease. Therefore, it has been classified as a Variant of Uncertain Significance.